The following is an entry in ClinVar:

NM_000070.3(CAPN3):c.1516A>C (p.Ile506Leu)

Gene: CAPN3 (calpain 3; plus strand). Cytogenetic location: 15q15.1.
Variant type: single nucleotide variant.
Coding change: c.1516A>C on transcript NM_000070.3 (MANE Select); coding-DNA position 1516, A replaced by C.
Protein change: p.Ile506Leu; replaces isoleucine 506 with leucine.
Molecular consequence: missense variant.
Genome position (GRCh38, 1-based): chr15:42,401,802, A>C. VCF-style: chr15-42401802-A-C. GRCh37 (hg19) VCF-style: chr15-42694000-A-C.
Other names: c.1516A>C, p.Ile506Leu (NM_024344.2); c.1372A>C, p.Ile458Leu (NM_173087.2); short protein forms I458L, I506L.
Identifiers: ClinVar variation 995061 (VCV000995061.12), dbSNP rs140828326, ClinGen allele CA7511378.

ClinVar aggregate classification (germline): Uncertain significance. Review status: criteria provided, multiple submitters, no conflicts (2 of 4 stars). 3 submissions from 3 submitters: Uncertain significance (2). 1 of the submissions does not count toward it. Last evaluated 2024-02-23.

Conditions:
Autosomal recessive limb-girdle muscular dystrophy type 2A (LGMDR1). Also called: MUSCULAR DYSTROPHY, PELVOFEMORAL; Muscular dystrophy, limb-girdle, type 2A, Amish; Limb-girdle muscular dystrophy, type 2A; LEYDEN-MOEBIUS MUSCULAR DYSTROPHY; Calpainopathy. Identifiers: Orphanet 267, MedGen C1869123, MONDO:0009675, OMIM 253600. Disease mechanism: loss of function.

Allele frequency attached by ClinVar (database versions not stated): TOPMed 0.00001.
gnomAD v4.1: 10 of 1,613,102 alleles (0.00062%); highest among the groups gnomAD compares: Admixed American, 0.017%; no homozygotes.

Submissions (3):

Labcorp Genetics (formerly Invitae), Labcorp
Classification: Uncertain significance for Autosomal recessive limb-girdle muscular dystrophy type 2A. Last evaluated: 2024-02-23. Review status: criteria provided, single submitter. Criteria: Invitae Variant Classification Sherloc (09022015). Collection method: clinical testing. Allele origin: germline.
Comment: This sequence change replaces isoleucine, which is neutral and non-polar, with leucine, which is neutral and non-polar, at codon 506 of the CAPN3 protein (p.Ile506Leu). This variant is present in population databases (rs140828326, gnomAD 0.02%). This variant has not been reported in the literature in individuals affected with CAPN3-related conditions. ClinVar contains an entry for this variant (Variation ID: 995061). Advanced modeling of protein sequence and biophysical properties (such as structural, functional, and spatial information, amino acid conservation, physicochemical variation, residue mobility, and thermodynamic stability) performed at Invitae indicates that this missense variant is not expected to disrupt CAPN3 protein function with a negative predictive value of 80%. In summary, the available evidence is currently insufficient to determine the role of this variant in disease. Therefore, it has been classified as a Variant of Uncertain Significance.

Athena Diagnostics
Classification: Uncertain significance. Last evaluated: 2020-03-09. Review status: criteria provided, single submitter. Criteria: Athena Diagnostics Criteria. Collection method: clinical testing. Allele origin: unknown.

Natera, Inc.
Classification: Uncertain significance for Limb-girdle muscular dystrophy type 2A. Last evaluated: 2020-02-13. Review status: no assertion criteria provided. Collection method: clinical testing. Allele origin: germline. Not counted in ClinVar's aggregate classification.